The following is an entry in ClinVar:

ClinVar aggregate classification (germline): Uncertain significance (1 of 4 stars; one submission).

Submission:

GeneDx
Classification: Uncertain significance. Last evaluated: 2022-11-25. Review status: criteria provided, single submitter. Criteria: GeneDx Variant Classification Process June 2021. Collection method: clinical testing. Allele origin: germline. Affected: yes.
Comment: Not observed at significant frequency in large population cohorts (gnomAD); In silico analysis supports that this missense variant does not alter protein structure/function; Has not been previously published as pathogenic or benign to our knowledge

NM_018489.3(ASH1L):c.3935C>G (p.Pro1312Arg)

Gene: ASH1L (ASH1 like histone lysine methyltransferase; minus strand). Cytogenetic location: 1q22.
Variant type: single nucleotide variant.
Coding change: c.3935C>G on transcript NM_018489.3 (MANE Select); coding-DNA position 3935, C replaced by G.
Protein change: p.Pro1312Arg; replaces proline 1312 with arginine.
Molecular consequence: missense variant.
Genome position (GRCh38, 1-based): chr1:155,478,935, G>C on the plus strand (C>G on the coding strand, the complement: ASH1L is on the minus strand). VCF-style: chr1-155478935-G-C. GRCh37 (hg19) VCF-style: chr1-155448726-G-C.
Other names: c.3935C>G, p.Pro1312Arg (NM_001366177.2); short protein forms P1312R.
Identifiers: ClinVar variation 2503225 (VCV002503225.1), dbSNP rs2527157985, ClinGen allele CA342707102.